The following is an entry in ClinVar:

ClinVar aggregate classification (germline): Conflicting classifications of pathogenicity. Review status: criteria provided, conflicting classifications (1 of 4 stars). 7 submissions from 7 submitters: Uncertain significance (4); Likely benign (3). Last evaluated 2025-12-24.

Conditions:
Cardiovascular phenotype. Identifiers: MedGen CN230736.
Familial hypercholesterolemia. Also called: Familial hypercholesterolemias; Familial hypercholesterolaemia. Identifiers: MedGen C0020445, MONDO:0005439.
Hypercholesterolemia, familial, 1. Also called: HYPERCHOLESTEROLEMIA, FAMILIAL, MODIFIER OF; LDL RECEPTOR DISORDER; Hyperlipoproteinemia Type IIa; HYPER-LOW-DENSITY-LIPOPROTEINEMIA; HYPERCHOLESTEROLEMIC XANTHOMATOSIS, FAMILIAL; Fredrickson type IIa hyperlipoproteinemia. Identifiers: Orphanet 391665, MedGen C0745103, MONDO:0007750, OMIM 143890.
Hypercholesterolemia, autosomal dominant, 3 (FHCL3). Also called: Familial Hypercholesterolemia, Autosomal Dominant, 3; PCSK9-Related Familial Hypercholesterolemia, Autosomal Dominant; Familial hypercholesterolemia 3. Identifiers: MedGen C1863551, MONDO:0011369, OMIM 603776.

Allele frequency attached by ClinVar (database versions not stated): gnomAD exomes 0.00002 and 0.00006; ExAC 0.00007; gnomAD 0.00007 and 0.00008; ESP Exome Variant Server 0.00008; TOPMed 0.00011.
gnomAD v4.1: 48 of 1,613,948 alleles (0.003%); highest among the groups gnomAD compares: African/African-American, 0.016%; no homozygotes.

Submissions (7):

Labcorp Genetics (formerly Invitae), Labcorp
Classification: Uncertain significance for Hypercholesterolemia, autosomal dominant, 3. Last evaluated: 2025-12-24. Review status: criteria provided, single submitter. Criteria: Invitae Variant Classification Sherloc (09022015). Collection method: clinical testing. Allele origin: germline.
Comment: This sequence change replaces arginine, which is basic and polar, with tryptophan, which is neutral and slightly polar, at codon 165 of the PCSK9 protein (p.Arg165Trp). This variant is present in population databases (rs141593516, gnomAD 0.03%). This variant has not been reported in the literature in individuals affected with PCSK9-related conditions. ClinVar contains an entry for this variant (Variation ID: 548110). Invitae Evidence Modeling of protein sequence and biophysical properties (such as structural, functional, and spatial information, amino acid conservation, physicochemical variation, residue mobility, and thermodynamic stability) indicates that this missense variant is not expected to disrupt PCSK9 protein function with a negative predictive value of 80%. In summary, the available evidence is currently insufficient to determine the role of this variant in disease. Therefore, it has been classified as a Variant of Uncertain Significance.

Color Diagnostics, LLC DBA Color Health
Classification: Likely benign for Familial hypercholesterolemia. Last evaluated: 2025-08-14. Review status: criteria provided, single submitter. Criteria: ACMG Guidelines, 2015. Collection method: clinical testing. Allele origin: germline.

Ambry Genetics
Classification: Likely benign for Cardiovascular phenotype. Last evaluated: 2025-04-23. Review status: criteria provided, single submitter. Criteria: Ambry Variant Classification Scheme 2023. Collection method: clinical testing. Allele origin: germline.

Women's Health and Genetics/Laboratory Corporation of America, LabCorp
Classification: Likely benign. Last evaluated: 2025-04-14. Review status: criteria provided, single submitter. Criteria: LabCorp Variant Classification Summary - May 2015. Collection method: clinical testing. Allele origin: germline.

Quest Diagnostics Nichols Institute San Juan Capistrano
Classification: Uncertain significance. Last evaluated: 2024-12-12. Review status: criteria provided, single submitter. Criteria: Quest Diagnostics criteria. Collection method: clinical testing. Allele origin: unknown.
Comment: The PCSK9 c.493C>T (p.Arg165Trp) variant has not been reported in individuals with PCSK9-related conditions in the published literature. The frequency of this variant in the general population (Genome Aggregation Database) is higher than would generally be expected for pathogenic variants in this gene. Analysis of this variant using bioinformatics tools for the prediction of the effect of amino acid changes on protein structure and function yielded predictions that this variant is benign. Based on the available information, we are unable to determine the clinical significance of this variant.

All of Us Research Program, National Institutes of Health
Classification: Uncertain significance for Hypercholesterolemia, autosomal dominant, 3. Last evaluated: 2024-07-29. Review status: criteria provided, single submitter. Criteria: ACMG Guidelines, 2015. Collection method: clinical testing. Allele origin: germline. Inheritance: Autosomal dominant inheritance. Observed: 11 variant alleles, 11 heterozygotes.
Comment: This missense variant replaces arginine with tryptophan at codon 165 of the PCSK9 protein. Computational prediction suggests that this variant may not impact protein structure and function (internally defined REVEL score threshold <= 0.5, PMID: 27666373). To our knowledge, functional studies have not been reported for this variant. This variant has not been reported in individuals affected with familial hypercholesterolemia in the literature. This variant has been identified in 16/251328 chromosomes in the general population by the Genome Aggregation Database (gnomAD). The available evidence is insufficient to determine the role of this variant in disease conclusively. Therefore, this variant is classified as a Variant of Uncertain Significance.

This study involves interpretation of variants in research participants for the purpose of population health screening. Participant phenotype was not available at the time of variant classification. Additional details can be found in publication PMID: 35346344, PMCID: PMC8962531

Robarts Research Institute, Western University
Classification: Uncertain significance for Hypercholesterolemia, familial, 1. Last evaluated: 2018-01-02. Review status: criteria provided, single submitter. Criteria: ACMG Guidelines, 2015. Collection method: clinical testing. Allele origin: germline. Inheritance: Autosomal dominant inheritance. Affected: yes.

NM_174936.4(PCSK9):c.493C>T (p.Arg165Trp)

Gene: PCSK9 (proprotein convertase subtilisin/kexin type 9; plus strand). Cytogenetic location: 1p32.3.
Variant type: single nucleotide variant.
Coding change: c.493C>T on transcript NM_174936.4 (MANE Select); coding-DNA position 493, C replaced by T.
Protein change: p.Arg165Trp; replaces arginine 165 with tryptophan.
Molecular consequence: missense variant.
Genome position (GRCh38, 1-based): chr1:55,046,616, C>T. VCF-style: chr1-55046616-C-T. GRCh37 (hg19) VCF-style: chr1-55512289-C-T.
Other names: short protein forms R165W.
Identifiers: ClinVar variation 548110 (VCV000548110.22), dbSNP rs141593516, ClinGen allele CA042466.